The following is an entry in ClinVar:

NM_017950.4(CCDC40):c.2440C>T (p.Arg814Ter)

Gene: CCDC40 (coiled-coil domain 40 molecular ruler complex subunit; plus strand). Cytogenetic location: 17q25.3.
Variant type: single nucleotide variant.
Coding change: c.2440C>T on transcript NM_017950.4 (MANE Select); coding-DNA position 2440, C replaced by T.
Protein change: p.Arg814Ter; replaces arginine 814 with a stop codon.
Molecular consequence: nonsense.
Genome position (GRCh38, 1-based): chr17:80,086,207, C>T. VCF-style: chr17-80086207-C-T. GRCh37 (hg19) VCF-style: chr17-78060006-C-T.
Other names: c.2440C>T, p.Arg814Ter (NM_001243342.2); short protein forms R814*.
Identifiers: ClinVar variation 569156 (VCV000569156.17), dbSNP rs747233125, ClinGen allele CA8814192.

ClinVar aggregate classification (germline): Pathogenic/Likely pathogenic. Review status: criteria provided, multiple submitters, no conflicts (2 of 4 stars). 5 submissions from 5 submitters: Pathogenic (4); Likely pathogenic (1). Last evaluated 2026-04-07.

Conditions:
CCDC40-related disorder. Also called: CCDC40-related condition.
Primary ciliary dyskinesia. Also called: Ciliary dyskinesia. Identifiers: Orphanet 244, MedGen C0008780, MONDO:0016575, HP:0012265.
Combined immunodeficiency due to DOCK8 deficiency (HIES2). Also called: HYPER-IgE RECURRENT INFECTION SYNDROME 2, AUTOSOMAL RECESSIVE; DOCK8 Deficiency; HIES autosomal recessive; HYPER-IgE SYNDROME 2, AUTOSOMAL RECESSIVE, WITH RECURRENT INFECTIONS; Hyper-IgE recurrent infection syndrome, autosomal recessive. Identifiers: Orphanet 217390, MedGen C4722305, MONDO:0009478, OMIM 243700.

Allele frequency attached by ClinVar (database versions not stated): gnomAD exomes 0.00001; TOPMed 0.00001; ExAC 0.00001; gnomAD 0.00001.
gnomAD v4.1: 14 of 1,606,720 alleles (0.00087%); highest among the groups gnomAD compares: East Asian, 0.0022%; no homozygotes.

Submissions (5):

GeneDx
Classification: Likely pathogenic. Last evaluated: 2026-04-07. Review status: criteria provided, single submitter. Criteria: GeneDx Variant Classification Process June 2021. Collection method: clinical testing. Allele origin: germline.
Comment: Nonsense variant predicted to result in protein truncation or nonsense mediated decay in a gene for which loss of function is a known mechanism of disease; This variant is associated with the following publications: (PMID: 34768622, 25525159, 34426522, 34941110, 23891469, 34210339, 37860582, 30300419, 23255504, 21131974)

Labcorp Genetics (formerly Invitae), Labcorp
Classification: Pathogenic for Primary ciliary dyskinesia. Last evaluated: 2025-10-31. Review status: criteria provided, single submitter. Criteria: Invitae Variant Classification Sherloc (09022015). Collection method: clinical testing. Allele origin: germline.
Comment: This sequence change creates a premature translational stop signal (p.Arg814*) in the CCDC40 gene. It is expected to result in an absent or disrupted protein product. Loss-of-function variants in CCDC40 are known to be pathogenic (PMID: 21131974, 22693285, 23255504). The frequency data for this variant in the population databases is considered unreliable, as metrics indicate poor data quality at this position in the gnomAD database. This premature translational stop signal has been observed in individual(s) with primary ciliary dyskinesia (PMID: 21131974, 23255504). ClinVar contains an entry for this variant (Variation ID: 569156). For these reasons, this variant has been classified as Pathogenic.

Blueprint Genetics
Classification: Pathogenic for CCDC40-related disorders. Last evaluated: 2024-09-18. Review status: criteria provided, single submitter. Criteria: ACMG Guidelines, 2015. Collection method: clinical testing. Allele origin: germline. Affected: yes. Observed: 5 variant alleles.

Neuberg Centre For Genomic Medicine, NCGM
Classification: Pathogenic for Combined immunodeficiency due to DOCK8 deficiency. Last evaluated: 2023-03-01. Review status: criteria provided, single submitter. Criteria: ACMG Guidelines, 2015. Collection method: clinical testing. Allele origin: germline. Inheritance: Autosomal recessive inheritance. Affected: yes.
Comment: The stop gained c.2440C>T (p.Arg814Ter) variant in CCDC40 gene has been reported in homozygous state in multiple individuals affected with Ciliary dyskinesia (Liu L et al. 2021; Antony D et al. 2013; Becker-Heck A et al. 2011). The p.Arg814Ter variant has allele frequency 0.0009% in gnomAD Exomes and is novel (not in any individuals) in 1000 Genomes. This variant has been reported to the ClinVar database as Pathogenic (multiple submitters). The nucleotide change c.2440C>T in CCDC40 is predicted as conserved by GERP++ and PhyloP across 100 vertebrates. This variant is predicted to cause loss of normal protein function through protein truncation. Loss-of-function variants in CCDC40 are known to be pathogenic (Antony D et al. 2013). For these reasons, this variant has been classified as Pathogenic.

Ambry Genetics
Classification: Pathogenic for Primary ciliary dyskinesia. Last evaluated: 2021-06-28. Review status: criteria provided, single submitter. Criteria: Ambry Variant Classification Scheme 2023. Collection method: clinical testing. Allele origin: germline.
Comment: The p.R814* pathogenic mutation (also known as c.2440C>T), located in coding exon 14 of the CCDC40 gene, results from a C to T substitution at nucleotide position 2440. This changes the amino acid from an arginine to a stop codon within coding exon 14. This variant has been detected in multiple individuals with primary ciliary dyskinesia, in the homozygous state and in the compound heterozygous state with another pathogenic CCDC40 variant (Antony D et al. Hum Mutat, 2013 Mar;34:462-72; Becker-Heck A et al. Nat Genet, 2011 Jan;43:79-84; Zariwala MA et al. Am J Hum Genet, 2013 Aug;93:336-45). In addition to the clinical data presented in the literature, this alteration is expected to result in loss of function by premature protein truncation or nonsense-mediated mRNA decay. As such, this alteration is interpreted as a disease-causing mutation.

Literature cited by the submitters: PubMed 21131974 (cited by Labcorp Genetics (formerly Invitae), Labcorp and Ambry Genetics); PubMed 22693285 (cited by Labcorp Genetics (formerly Invitae), Labcorp); PubMed 23255504 (cited by Labcorp Genetics (formerly Invitae), Labcorp and Ambry Genetics); PubMed 23891469 (cited by Ambry Genetics).